The following is an entry in ClinVar:

NM_000304.4(PMP22):c.471G>A (p.Arg157=)

Gene: PMP22 (peripheral myelin protein 22; minus strand). Cytogenetic location: 17p12.
Variant type: single nucleotide variant.
Coding change: c.471G>A on transcript NM_000304.4 (MANE Select); coding-DNA position 471, G replaced by A.
Protein change: p.Arg157=; no amino-acid change (arginine 157 retained).
Molecular consequence: synonymous variant. On other transcripts: non-coding transcript variant (2).
Genome position (GRCh38, 1-based): chr17:15,230,929, C>T on the plus strand (G>A on the coding strand, the complement: PMP22 is on the minus strand). VCF-style: chr17-15230929-C-T. GRCh37 (hg19) VCF-style: chr17-15134246-C-T.
Other names: c.471G>A, p.Arg157= (NM_001281455.2, NM_001281456.2, NM_153321.3 and 1 more transcripts).
Identifiers: ClinVar variation 388911 (VCV000388911.12), dbSNP rs770693814, ClinGen allele CA8403294.

ClinVar aggregate classification (germline): Likely benign. Review status: criteria provided, multiple submitters, no conflicts (2 of 4 stars). 3 submissions from 3 submitters: Likely benign (3). Last evaluated 2024-06-10.

Conditions:
Charcot-Marie-Tooth disease, type I (CMT1). Also called: Charcot-Marie-Tooth disease type 1; Charcot-Marie-Tooth, Type 1. Identifiers: Orphanet 65753, MedGen C0751036, MONDO:0019011.
Inborn genetic diseases. Identifiers: MedGen C0950123, MeSH D030342.

Allele frequency attached by ClinVar (database versions not stated): TOPMed below 0.00001; ExAC 0.00001; gnomAD 0.00001; gnomAD exomes 0.00001 and 0.00002.
gnomAD v4.1: 30 of 1,613,954 alleles (0.0019%); highest among the groups gnomAD compares: Non-Finnish European, 0.0024%; no homozygotes.

Submissions (3):

Labcorp Genetics (formerly Invitae), Labcorp
Classification: Likely benign for Charcot-Marie-Tooth disease, type I. Last evaluated: 2024-06-10. Review status: criteria provided, single submitter. Criteria: Invitae Variant Classification Sherloc (09022015). Collection method: clinical testing. Allele origin: germline.

Ambry Genetics
Classification: Likely benign for Inborn genetic diseases. Last evaluated: 2019-07-11. Review status: criteria provided, single submitter. Criteria: Ambry Variant Classification Scheme 2023. Collection method: clinical testing. Allele origin: germline.

GeneDx
Classification: Likely benign. Last evaluated: 2016-08-29. Review status: criteria provided, single submitter. Criteria: GeneDx Variant Classification (06012015). Collection method: clinical testing. Allele origin: germline. Affected: yes.
Comment: This variant is considered likely benign or benign based on one or more of the following criteria: it is a conservative change, it occurs at a poorly conserved position in the protein, it is predicted to be benign by multiple in silico algorithms, and/or has population frequency not consistent with disease.